The following is an entry in ClinVar:

ClinVar aggregate classification (germline): Uncertain significance (1 of 4 stars; one submission).

Conditions:
Multiple endocrine neoplasia, type 2 (MEN2). Identifiers: Orphanet 653, MedGen C4048306, MONDO:0019003. Disease mechanism: gain of function.

Submission:

Labcorp Genetics (formerly Invitae), Labcorp
Classification: Uncertain significance for Multiple endocrine neoplasia, type 2. Last evaluated: 2024-10-12. Review status: criteria provided, single submitter. Criteria: Invitae Variant Classification Sherloc (09022015). Collection method: clinical testing. Allele origin: germline.
Comment: This sequence change falls in intron 8 of the RET gene. It does not directly change the encoded amino acid sequence of the RET protein. It affects a nucleotide within the consensus splice site. This variant is not present in population databases (gnomAD no frequency). This variant has not been reported in the literature in individuals affected with RET-related conditions. Variants that disrupt the consensus splice site are a relatively common cause of aberrant splicing (PMID: 17576681, 9536098). Algorithms developed to predict the effect of sequence changes on RNA splicing suggest that this variant is not likely to affect RNA splicing. In summary, the available evidence is currently insufficient to determine the role of this variant in disease. Therefore, it has been classified as a Variant of Uncertain Significance.

Literature cited by the submitters: PubMed 17576681; PubMed 9536098.

NM_020975.6(RET):c.1648+6C>T

Gene: RET (ret proto-oncogene; plus strand). Cytogenetic location: 10q11.21.
Variant type: single nucleotide variant.
Coding change: c.1648+6C>T on transcript NM_020975.6 (MANE Select); 6 bases into the intron after coding-DNA position 1648, C replaced by T.
Molecular consequence: intron variant.
Genome position (GRCh38, 1-based): chr10:43,112,230, C>T. VCF-style: chr10-43112230-C-T. GRCh37 (hg19) VCF-style: chr10-43607678-C-T.
Other names: c.1648+6C>T (NM_020630.7, NM_001406743.1, NM_001406744.1 and 4 more transcripts); c.1252+6C>T (NM_001406772.1, NM_001406769.1); c.1210+6C>T (NM_001406773.1, NM_001406771.1); c.751+6C>T (NM_001406782.1, NM_001406780.1, NM_001406779.1 and 3 more transcripts); c.1519+6C>T (NM_001406764.1, NM_001406762.1, NM_001406761.1 and 1 more transcripts); c.1123+6C>T (NM_001406774.1); c.622+6C>T (NM_001406786.1, NM_001406783.1); c.1360+6C>T (NM_001406770.1, NM_001406766.1, NM_001406767.1); and 5 more.
Identifiers: ClinVar variation 3606725 (VCV003606725.2).